The following is an entry in ClinVar:

ClinVar aggregate classification (germline): Likely benign (1 of 4 stars; one submission).

Conditions:
KSR2-related disorder. Also called: KSR2-related condition.

gnomAD v4.1: 5 of 678,836 alleles (0.00074%); highest among the groups gnomAD compares: African/African-American, 0.0037%; no homozygotes.

Submission:

PreventionGenetics, part of Exact Sciences
Classification: Likely benign for KSR2-related condition. Last evaluated: 2024-12-14. Review status: criteria provided, single submitter. Criteria: ACMG Guidelines, 2015. Collection method: clinical testing. Allele origin: germline.
Comment: This variant is classified as likely benign based on ACMG/AMP sequence variant interpretation guidelines (Richards et al. 2015 PMID: 25741868, with internal and published modifications).

NM_173598.6(KSR2):c.*40C>T

Gene: KSR2 (kinase suppressor of ras 2; minus strand). Cytogenetic location: 12q24.22.
Variant type: single nucleotide variant.
Coding change: c.*40C>T on transcript NM_173598.6 (MANE Select); 40 bases downstream of the stop codon, C replaced by T.
Molecular consequence: 3 prime UTR variant.
Genome position (GRCh38, 1-based): chr12:117,467,159, G>A on the plus strand (C>T on the coding strand, the complement: KSR2 is on the minus strand). VCF-style: chr12-117467159-G-A. GRCh37 (hg19) VCF-style: chr12-117904964-G-A.
Identifiers: ClinVar variation 4987292 (VCV004987292.1).